The following is an entry in ClinVar:

ClinVar aggregate classification (germline): Likely pathogenic (1 of 4 stars; one submission).

Conditions:
Polycystic kidney disease, adult type (PKD1). Also called: Polycystic Kidney, Autosomal Dominant; POLYCYSTIC KIDNEY DISEASE, ADULT, TYPE I; Polycystic Kidney Disease 1, Autosomal Dominant; Polycystic kidney disease 1; Polycystic kidney disease 1, severe; POLYCYSTIC KIDNEY DISEASE 1 WITH OR WITHOUT POLYCYSTIC LIVER DISEASE. Identifiers: MedGen C3149841, MONDO:0008263, OMIM 173900.

Submission:

3billion
Classification: Likely pathogenic for Polycystic kidney disease, adult type. Last evaluated: 2025-08-18. Review status: criteria provided, single submitter. Criteria: ACMG Guidelines, 2015. Collection method: clinical testing. Allele origin: germline. Affected: yes.
Comment: The variant is not observed in the gnomAD v4.1.0 dataset. Predicted Consequence/Location: Frameshift: predicted to result in a loss or disruption of normal protein function through nonsense-mediated decay (NMD) or protein truncation. Multiple pathogenic variants are reported downstream of the variant. Therefore, this variant is classified as Likely pathogenic according to the recommendation of ACMG/AMP guideline.

NM_001009944.3(PKD1):c.6079dup (p.Thr2027fs)

Gene: PKD1 (polycystin 1, transient receptor potential channel interacting; minus strand). Cytogenetic location: 16p13.3.
Variant type: Duplication.
Coding change: c.6079dup on transcript NM_001009944.3 (MANE Select); coding-DNA position 6079, one base duplicated (A; older notation c.6079dupA).
Protein change: p.Thr2027fs; shifts the reading frame from threonine 2027.
Molecular consequence: frameshift variant.
Genome position (GRCh38, 1-based): chr16:2,109,088, T duplicated on the plus strand (A on the coding strand, the reverse complement: PKD1 is on the minus strand). VCF-style (leftmost placement, unchanged base first): chr16-2109087-G-GT. GRCh37 (hg19) VCF-style: chr16-2159088-G-GT.
Other names: c.6079dup, p.Thr2027fs (NM_000296.4); short protein forms T2027fs.
Identifiers: ClinVar variation 4854948 (VCV004854948.1).